The following is an entry in ClinVar:

NM_001303256.3(MORC2):c.2634G>C (p.Gln878His)

Gene: MORC2 (MORC family CW-type zinc finger 2; minus strand). Cytogenetic location: 22q12.2.
Variant type: single nucleotide variant.
Coding change: c.2634G>C on transcript NM_001303256.3 (MANE Select); coding-DNA position 2634, G replaced by C.
Protein change: p.Gln878His; replaces glutamine 878 with histidine.
Molecular consequence: missense variant.
Genome position (GRCh38, 1-based): chr22:30,932,658, C>G on the plus strand (G>C on the coding strand, the complement: MORC2 is on the minus strand). VCF-style: chr22-30932658-C-G. GRCh37 (hg19) VCF-style: chr22-31328645-C-G.
Other names: c.2634G>C, p.Gln878His (NM_001303257.2); c.2448G>C, p.Gln816His (NM_014941.3); short protein forms Q816H, Q878H.
Identifiers: ClinVar variation 542292 (VCV000542292.14), dbSNP rs1388475410, ClinGen allele CA411231911.

ClinVar aggregate classification (germline): Uncertain significance. Review status: criteria provided, multiple submitters, no conflicts (2 of 4 stars). 3 submissions from 3 submitters: Uncertain significance (3). Last evaluated 2024-08-28.

Conditions:
Inborn genetic diseases. Identifiers: MedGen C0950123, MeSH D030342.
Charcot-Marie-Tooth disease axonal type 2Z. Also called: CHARCOT-MARIE-TOOTH DISEASE, AXONAL, AUTOSOMAL DOMINANT, TYPE 2Z; CHARCOT-MARIE-TOOTH NEUROPATHY, TYPE 2Z. Identifiers: Orphanet 466768, MedGen C5569025, MONDO:0014736, OMIM 616688.

Allele frequency attached by ClinVar (database versions not stated): TOPMed 0.00002; gnomAD 0.00003; gnomAD exomes 0.00001.
gnomAD v4.1: 14 of 1,614,044 alleles (0.00087%); highest among the groups gnomAD compares: Non-Finnish European, 0.0012%; no homozygotes.

Submissions (3):

Labcorp Genetics (formerly Invitae), Labcorp
Classification: Uncertain significance for Charcot-Marie-Tooth disease axonal type 2Z. Last evaluated: 2024-08-28. Review status: criteria provided, single submitter. Criteria: Invitae Variant Classification Sherloc (09022015). Collection method: clinical testing. Allele origin: germline.
Comment: This sequence change replaces glutamine, which is neutral and polar, with histidine, which is basic and polar, at codon 878 of the MORC2 protein (p.Gln878His). This variant is present in population databases (no rsID available, gnomAD 0.007%). This variant has not been reported in the literature in individuals affected with MORC2-related conditions. ClinVar contains an entry for this variant (Variation ID: 542292). Invitae Evidence Modeling of protein sequence and biophysical properties (such as structural, functional, and spatial information, amino acid conservation, physicochemical variation, residue mobility, and thermodynamic stability) indicates that this missense variant is not expected to disrupt MORC2 protein function with a negative predictive value of 95%. In summary, the available evidence is currently insufficient to determine the role of this variant in disease. Therefore, it has been classified as a Variant of Uncertain Significance.

GeneDx
Classification: Uncertain significance. Last evaluated: 2024-04-06. Review status: criteria provided, single submitter. Criteria: GeneDx Variant Classification Process June 2021. Collection method: clinical testing. Allele origin: germline. Affected: yes.
Comment: In silico analysis indicates that this missense variant does not alter protein structure/function; Has not been previously published as pathogenic or benign to our knowledge

Ambry Genetics
Classification: Uncertain significance for Inborn genetic diseases. Last evaluated: 2021-05-10. Review status: criteria provided, single submitter. Criteria: Ambry Variant Classification Scheme 2023. Collection method: clinical testing. Allele origin: germline.
Comment: The p.Q878H variant (also known as c.2634G>C), located in coding exon 23 of the MORC2 gene, results from a G to C substitution at nucleotide position 2634. The glutamine at codon 878 is replaced by histidine, an amino acid with highly similar properties. This amino acid position is not well conserved in available vertebrate species. In addition, this alteration is predicted to be tolerated by in silico analysis. Since supporting evidence is limited at this time, the clinical significance of this alteration remains unclear.